The following is an entry in ClinVar:

NM_001009999.3(KDM1A):c.1414A>T (p.Met472Leu)

Gene: KDM1A (lysine demethylase 1A; plus strand). Cytogenetic location: 1p36.12.
Variant type: single nucleotide variant.
Coding change: c.1414A>T on transcript NM_001009999.3 (MANE Select); coding-DNA position 1414, A replaced by T.
Protein change: p.Met472Leu; replaces methionine 472 with leucine.
Molecular consequence: missense variant.
Genome position (GRCh38, 1-based): chr1:23,071,225, A>T. VCF-style: chr1-23071225-A-T. GRCh37 (hg19) VCF-style: chr1-23397718-A-T.
Other names: c.1342A>T, p.Met448Leu (NM_001363654.2, NM_001410763.1, NM_015013.4); c.1402A>T, p.Met468Leu (NM_001410762.1); short protein forms M468L, M448L, M472L.
Identifiers: ClinVar variation 4091067 (VCV004091067.1).
Genomic context (GRCh38, chr1:23,071,225, plus strand): 5'-TGATGTAGACATAAACTACATTGCTATCTGGAATGGTAAATTTGTATTTTTCCTTCTTAG[A>T]TGGTAAATTTGAAAGAGAAAATTAAAGAACTCCATCAGCAATACAAAGAAGCATCTGAAG-3'
Protein context (NP_001009999.1, residues 462-482): QEELKELLNK[Met472Leu]VNLKEKIKEL

ClinVar aggregate classification (germline): Uncertain significance (1 of 4 stars; one submission).

Conditions:
Inborn genetic diseases. Identifiers: MedGen C0950123, MeSH D030342.

Submission:

Ambry Genetics
Classification: Uncertain significance for Inborn genetic diseases. Last evaluated: 2025-07-17. Review status: criteria provided, single submitter. Criteria: Ambry Variant Classification Scheme 2023. Collection method: clinical testing. Allele origin: germline.
Comment: The p.M472L variant (also known as c.1414A>T) is located in coding exon 13 of the KDM1A gene. The methionine at codon 472 is replaced by leucine, an amino acid with highly similar properties. This change occurs in the first base pair of coding exon 13. This amino acid position is conserved. In addition, this alteration is predicted to be tolerated by in silico analysis. Based on the available evidence, the clinical significance of this variant remains unclear.